The following is an entry in ClinVar:

NM_001370259.2(MEN1):c.1417G>A (p.Glu473Lys)

Gene: MEN1 (menin 1; minus strand). Cytogenetic location: 11q13.1.
Variant type: single nucleotide variant.
Coding change: c.1417G>A on transcript NM_001370259.2 (MANE Select); coding-DNA position 1417, G replaced by A.
Protein change: p.Glu473Lys; replaces glutamic acid 473 with lysine.
Molecular consequence: missense variant. On other transcripts: non-coding transcript variant (4).
Genome position (GRCh38, 1-based): chr11:64,804,750, C>T on the plus strand (G>A on the coding strand, the complement: MEN1 is on the minus strand). VCF-style: chr11-64804750-C-T. GRCh37 (hg19) VCF-style: chr11-64572222-C-T.
Other names: c.1432G>A, p.Glu478Lys (NM_000244.4, NM_001407145.1, NM_130800.3 and 4 more transcripts); c.1543G>A, p.Glu515Lys (NM_001370251.2, NM_001407142.1, NM_001407143.1 and 1 more transcripts); c.1417G>A, p.Glu473Lys (NM_001370260.2, NM_001370261.2, NM_001407146.1 and 2 more transcripts); c.1312G>A, p.Glu438Lys (NM_001370262.2, NM_001370263.2, NM_001407148.1 and 1 more transcripts); c.1558G>A, p.Glu520Lys (NM_001407150.1); c.1438G>A, p.Glu480Lys (NM_001407151.1); c.1252G>A, p.Glu418Lys (NM_001407152.1); short protein forms E418K, E438K, E515K, E520K, E473K, E478K, E480K.
Identifiers: ClinVar variation 3694473 (VCV003694473.4).

ClinVar aggregate classification (germline): Uncertain significance. Review status: criteria provided, multiple submitters, no conflicts (2 of 4 stars). 2 submissions from 2 submitters: Uncertain significance (2). Last evaluated 2024-02-07.

Conditions:
Multiple endocrine neoplasia, type 1 (MEN1). Also called: MEN I; WERMER SYNDROME; Endocrine adenomatosis multiple; MEN 1; MEA I. Identifiers: Orphanet 652, MedGen C0025267, MeSH D018761, MONDO:0007540, OMIM 131100.

gnomAD v4.1: 2 of 1,597,114 alleles (0.00013%); highest among the groups gnomAD compares: Non-Finnish European, 0.00017%; no homozygotes.

Submissions (2):

Labcorp Genetics (formerly Invitae), Labcorp
Classification: Uncertain significance for Multiple endocrine neoplasia, type 1. Last evaluated: 2024-02-07. Review status: criteria provided, single submitter. Criteria: Invitae Variant Classification Sherloc (09022015). Collection method: clinical testing. Allele origin: germline.
Comment: This sequence change replaces glutamic acid, which is acidic and polar, with lysine, which is basic and polar, at codon 473 of the MEN1 protein (p.Glu473Lys). This variant is present in population databases (no rsID available, gnomAD 0.001%). This variant has not been reported in the literature in individuals affected with MEN1-related conditions. Advanced modeling of protein sequence and biophysical properties (such as structural, functional, and spatial information, amino acid conservation, physicochemical variation, residue mobility, and thermodynamic stability) performed at Invitae indicates that this missense variant is expected to disrupt MEN1 protein function with a positive predictive value of 95%. In summary, the available evidence is currently insufficient to determine the role of this variant in disease. Therefore, it has been classified as a Variant of Uncertain Significance.

Juno Genomics, Hangzhou Juno Genomics, Inc
Classification: Uncertain significance for Multiple endocrine neoplasia, type 1. Review status: criteria provided, single submitter. Criteria: ACMG Guidelines, 2015. Collection method: clinical testing. Allele origin: germline.
Comment: Absent from controls (or at extremely low frequency if recessive) in Genome Aggregation Database.;Missense variant in a gene that has a low rate of benign missense variation.